The following is an entry in ClinVar:

NM_001160372.4(TRAPPC9):c.643C>T (p.Gln215Ter)

Gene: TRAPPC9 (trafficking protein particle complex subunit 9; minus strand). Cytogenetic location: 8q24.3.
Variant type: single nucleotide variant.
Coding change: c.643C>T on transcript NM_001160372.4 (MANE Select); coding-DNA position 643, C replaced by T.
Protein change: p.Gln215Ter; replaces glutamine 215 with a stop codon.
Molecular consequence: nonsense. On other transcripts: non-coding transcript variant (1).
Genome position (GRCh38, 1-based): chr8:140,439,139, G>A on the plus strand (C>T on the coding strand, the complement: TRAPPC9 is on the minus strand). VCF-style: chr8-140439139-G-A. GRCh37 (hg19) VCF-style: chr8-141449238-G-A.
Other names: c.643C>T, p.Gln215Ter (NM_001321646.2, NM_001374683.1, NM_001374684.1 and 1 more transcripts); c.664C>T, p.Gln222Ter (NM_001374682.1); short protein forms Q215*, Q222*.
Identifiers: ClinVar variation 3902333 (VCV003902333.1).
Genomic context (GRCh38, chr8:140,439,139, plus strand): 5'-AACGCAGCAGCTCCACCGACATGTGGTAATGCACCAGGGAGTCCTGCAGCATCCCTGCCT[G>A]CAGGCACAGGTCCCCCACGTGCTTCCGCATGCGGCCTTGGCACCGCTTCTTGTAATGTCT-3'

ClinVar aggregate classification (germline): Pathogenic (1 of 4 stars; one submission).

Conditions:
Intellectual developmental disorder, autosomal recessive 13. Also called: Intellectual disability, autosomal recessive 13. Identifiers: Orphanet 88616, MedGen C2750791, MONDO:0013173, OMIM 613192.

Submission:

Women's Health and Genetics/Laboratory Corporation of America, LabCorp
Classification: Pathogenic for Intellectual developmental disorder, autosomal recessive 13. Last evaluated: 2025-05-09. Review status: criteria provided, single submitter. Criteria: LabCorp Variant Classification Summary - May 2015. Collection method: clinical testing. Allele origin: germline.
Comment: Variant summary: TRAPPC9 c.643C>T (p.Gln215X) results in a premature termination codon, predicted to cause a truncation of the encoded protein or absence of the protein due to nonsense mediated decay, which are commonly known mechanisms for disease. The variant allele was found at a frequency of 4e-06 in 251006 control chromosomes. c.643C>T has been observed in homozygous individuals affected with Intellectual Disability, Autosomal Recessive 13 (e.g. Yousefipour_2021). These data indicate that the variant is likely to be associated with disease. To our knowledge, no experimental evidence demonstrating an impact on protein function has been reported. The following publication has been ascertained in the context of this evaluation (PMID: 33513295). No submitters have cited clinical-significance assessments for this variant to ClinVar. Based on the evidence outlined above, the variant was classified as pathogenic.

Literature cited by the submitters: PubMed 33513295.